The following is an entry in ClinVar:

ClinVar aggregate classification (germline): Benign/Likely benign. Review status: criteria provided, multiple submitters, no conflicts (2 of 4 stars). 5 submissions from 5 submitters: Benign (3); Likely benign (2). Last evaluated 2026-01-19.

Conditions:
Familial juvenile hyperuricemic nephropathy type 1 (ADTKD1). Also called: Glomerulocystic kidney disease with hyperuricemia and isosthenuria; Medullary cystic kidney disease 2; UMOD-Associated Kidney Disease; Uromodulin-associated kidney disease; Autosomal Dominant Tubulointerstitial Kidney Disease – UMOD. Identifiers: Orphanet 209886, Orphanet 34149, Orphanet 88950, MedGen C4551496, MONDO:0008073, OMIM 162000.
UMOD-related disorder. Also called: UMOD-related condition.

Allele frequency attached by ClinVar (database versions not stated): gnomAD 0.00004 and 0.00036; TOPMed 0.00008; gnomAD exomes 0.00049 and 0.00097; ExAC 0.00114; 1000 Genomes Project 30x 0.00297; 1000 Genomes Project 0.00300.

Submissions (5):

Labcorp Genetics (formerly Invitae), Labcorp
Classification: Benign. Last evaluated: 2026-01-19. Review status: criteria provided, single submitter. Criteria: Invitae Variant Classification Sherloc (09022015). Collection method: clinical testing. Allele origin: germline.

PreventionGenetics, part of Exact Sciences
Classification: Benign for UMOD-related condition. Last evaluated: 2025-02-05. Review status: criteria provided, single submitter. Criteria: ACMG Guidelines, 2015. Collection method: clinical testing. Allele origin: germline.
Comment: This variant is classified as benign based on ACMG/AMP sequence variant interpretation guidelines (Richards et al. 2015 PMID: 25741868, with internal and published modifications).

Blueprint Genetics
Classification: Likely benign. Last evaluated: 2024-10-14. Review status: criteria provided, single submitter. Criteria: ACMG Guidelines, 2015. Collection method: clinical testing. Allele origin: germline.

Department of Pathology and Laboratory Medicine, Sinai Health System
Classification: Likely benign for Familial juvenile hyperuricemic nephropathy type 1. Last evaluated: 2021-07-30. Review status: criteria provided, single submitter. Criteria: ACMG Guidelines, 2015. Collection method: research. Allele origin: germline.

Illumina Laboratory Services, Illumina
Classification: Benign for UMOD-Associated Kidney Disease. Last evaluated: 2018-01-13. Review status: criteria provided, single submitter. Criteria: ICSL Variant Classification Criteria 13 December 2019. Collection method: clinical testing. Allele origin: germline.
Comment: This variant was observed in the ICSL laboratory as part of a predisposition screen in an ostensibly healthy population. It had not been previously curated by ICSL or reported in the Human Gene Mutation Database (HGMD: prior to June 1st, 2018), and was therefore a candidate for classification through an automated scoring system. Utilizing variant allele frequency, disease prevalence and penetrance estimates, and inheritance mode, an automated score was calculated to assess if this variant is too frequent to cause the disease. Based on the score and internal cut-off values, a variant classified as benign is not then subjected to further curation. The score for this variant resulted in a classification of benign for this disease.

NM_003361.4(UMOD):c.1376G>A (p.Arg459Gln)

Gene: UMOD (uromodulin; minus strand). Cytogenetic location: 16p12.3.
Variant type: single nucleotide variant.
Coding change: c.1376G>A on transcript NM_003361.4 (MANE Select); coding-DNA position 1376, G replaced by A.
Protein change: p.Arg459Gln; replaces arginine 459 with glutamine.
Molecular consequence: missense variant. On other transcripts: non-coding transcript variant (1).
Genome position (GRCh38, 1-based): chr16:20,341,292, C>T on the plus strand (G>A on the coding strand, the complement: UMOD is on the minus strand). VCF-style: chr16-20341292-C-T. GRCh37 (hg19) VCF-style: chr16-20352614-C-T.
Other names: c.1376G>A, p.Arg459Gln (NM_001008389.3, NM_001378232.1, NM_001378233.1); c.1475G>A, p.Arg492Gln (NM_001278614.2); c.1517G>A, p.Arg506Gln (NM_001378234.1, NM_001378235.1); short protein forms R459Q, R492Q, R506Q.
Identifiers: ClinVar variation 762486 (VCV000762486.20), dbSNP rs201761378, ClinGen allele CA7939159.